The following is an entry in ClinVar:

ClinVar aggregate classification (germline): Uncertain significance (1 of 4 stars; one submission).

Conditions:
Vici syndrome (VICIS). Identifiers: Orphanet 1493, MedGen C1855772, MONDO:0009452, OMIM 242840.

Submission:

Labcorp Genetics (formerly Invitae), Labcorp
Classification: Uncertain significance for Vici syndrome. Last evaluated: 2022-03-01. Review status: criteria provided, single submitter. Criteria: Invitae Variant Classification Sherloc (09022015). Collection method: clinical testing. Allele origin: germline.
Comment: In summary, the available evidence is currently insufficient to determine the role of this variant in disease. Therefore, it has been classified as a Variant of Uncertain Significance. Algorithms developed to predict the effect of missense changes on protein structure and function are either unavailable or do not agree on the potential impact of this missense change (SIFT: "Deleterious"; PolyPhen-2: "Probably Damaging"; Align-GVGD: "Class C0"). This variant has not been reported in the literature in individuals affected with EPG5-related conditions. This variant is not present in population databases (gnomAD no frequency). This sequence change replaces leucine, which is neutral and non-polar, with arginine, which is basic and polar, at codon 2165 of the EPG5 protein (p.Leu2165Arg).

NM_020964.3(EPG5):c.6494T>G (p.Leu2165Arg)

Gene: EPG5 (ectopic P-granules 5 autophagy tethering factor; minus strand). Cytogenetic location: 18q12.3.
Variant type: single nucleotide variant.
Coding change: c.6494T>G on transcript NM_020964.3 (MANE Select); coding-DNA position 6494, T replaced by G.
Protein change: p.Leu2165Arg; replaces leucine 2165 with arginine.
Molecular consequence: missense variant.
Genome position (GRCh38, 1-based): chr18:45,866,925, A>C on the plus strand (T>G on the coding strand, the complement: EPG5 is on the minus strand). VCF-style: chr18-45866925-A-C. GRCh37 (hg19) VCF-style: chr18-43446890-A-C.
Other names: c.6494T>G, p.Leu2165Arg (NM_001410858.1); c.6491T>G, p.Leu2164Arg (NM_001410859.1); short protein forms L2164R, L2165R.
Identifiers: ClinVar variation 2105534 (VCV002105534.4), dbSNP rs2511486929, ClinGen allele CA402339253.